The following is an entry in ClinVar:

ClinVar aggregate classification (germline): Uncertain significance. Review status: criteria provided, multiple submitters, no conflicts (2 of 4 stars). 5 submissions from 5 submitters: Uncertain significance (5). Last evaluated 2026-02-01.

Conditions:
Familial thoracic aortic aneurysm and aortic dissection (TAAD). Also called: Thoracic aortic aneurysms and dissections. Identifiers: Orphanet 91387, MedGen C4707243, MONDO:0019625.
Marfan syndrome (MFS). Also called: Marfan syndrome, classic; Marfan syndrome type 1; Marfan's syndrome; FBN1-Related Marfan Syndrome; MARFAN SYNDROME, TYPE I. Identifiers: Orphanet 284963, Orphanet 558, MedGen C0024796, MONDO:0007947, OMIM 154700.

Allele frequency attached by ClinVar (database versions not stated): gnomAD exomes 0.00001; TOPMed below 0.00001.
gnomAD v4.1: 9 of 1,614,152 alleles (0.00056%); highest among the groups gnomAD compares: Non-Finnish European, 0.00068%; no homozygotes.

Submissions (5):

Labcorp Genetics (formerly Invitae), Labcorp
Classification: Uncertain significance for Marfan syndrome; Familial thoracic aortic aneurysm and aortic dissection. Last evaluated: 2026-02-01. Review status: criteria provided, single submitter. Criteria: Invitae Variant Classification Sherloc (09022015). Collection method: clinical testing. Allele origin: germline.
Comment: This sequence change replaces lysine, which is basic and polar, with glutamic acid, which is acidic and polar, at codon 1392 of the FBN1 protein (p.Lys1392Glu). This variant is not present in population databases (gnomAD no frequency). This variant has not been reported in the literature in individuals affected with FBN1-related conditions. ClinVar contains an entry for this variant (Variation ID: 940459). Invitae Evidence Modeling of protein sequence and biophysical properties (such as structural, functional, and spatial information, amino acid conservation, physicochemical variation, residue mobility, and thermodynamic stability) has been performed for this missense variant. However, the output from this modeling did not meet the statistical confidence thresholds required to predict the impact of this variant on FBN1 protein function. In summary, the available evidence is currently insufficient to determine the role of this variant in disease. Therefore, it has been classified as a Variant of Uncertain Significance.

All of Us Research Program, National Institutes of Health
Classification: Uncertain significance for Marfan syndrome. Last evaluated: 2023-06-26. Review status: criteria provided, single submitter. Criteria: ACMG Guidelines, 2015. Collection method: clinical testing. Allele origin: germline. Inheritance: Autosomal dominant inheritance. Observed: 1 variant allele, 1 heterozygote.
Comment: This missense variant replaces lysine with glutamic acid at codon 1392 of the FBN1 protein. Computational prediction is inconclusive regarding the impact of this variant on protein structure and function (internally defined REVEL score threshold 0.5 < inconclusive < 0.7, PMID: 27666373). To our knowledge, functional studies have not been reported for this variant. This variant has not been reported in individuals affected with FBN1-related disorders in the literature. This variant has not been identified in the general population by the Genome Aggregation Database (gnomAD). The available evidence is insufficient to determine the role of this variant in disease conclusively. Therefore, this variant is classified as a Variant of Uncertain Significance.

This study involves interpretation of variants in research participants for the purpose of population health screening. Participant phenotype was not available at the time of variant classification. Additional details can be found in publication PMID: 35346344, PMCID: PMC8962531

Women's Health and Genetics/Laboratory Corporation of America, LabCorp
Classification: Uncertain significance. Last evaluated: 2021-11-22. Review status: criteria provided, single submitter. Criteria: LabCorp Variant Classification Summary - May 2015. Collection method: clinical testing. Allele origin: germline.
Comment: Variant summary: FBN1 c.4174A>G (p.Lys1392Glu) results in a conservative amino acid change located in one of the EGF-like calcium-binding repeat domains (IPR000742) of the encoded protein sequence. Three of five in-silico tools predict a damaging effect of the variant on protein function. The variant was absent in 251348 control chromosomes (gnomAD). The available data on variant occurrences in the general population are insufficient to allow any conclusion about variant significance. To our knowledge, no occurrence of c.4174A>G in individuals affected with Marfan Syndrome and no experimental evidence demonstrating its impact on protein function have been reported. One clinical diagnostic laboratory has submitted clinical-significance assessments for this variant to ClinVar after 2014 and classified the variant as uncertain significance. Based on the evidence outlined above, the variant was classified as uncertain significance.

Ambry Genetics
Classification: Uncertain significance for Familial thoracic aortic aneurysm and aortic dissection. Last evaluated: 2018-06-18. Review status: criteria provided, single submitter. Criteria: Ambry Variant Classification Scheme 2023. Collection method: clinical testing. Allele origin: germline.
Comment: The p.K1392E variant (also known as c.4174A>G), located in coding exon 33 of the FBN1 gene, results from an A to G substitution at nucleotide position 4174. The lysine at codon 1392 is replaced by glutamic acid, an amino acid with similar properties. This amino acid position is well conserved in available vertebrate species. In addition, the in silico prediction for this alteration is inconclusive. Since supporting evidence is limited at this time, the clinical significance of this alteration remains unclear.

Breakthrough Genomics
Classification: Uncertain significance. Review status: criteria provided, single submitter. Criteria: ACMG Guidelines, 2015. Collection method: not provided. Allele origin: germline. Inheritance: Autosomal dominant inheritance. Affected: yes.

NM_000138.5(FBN1):c.4174A>G (p.Lys1392Glu)

Gene: FBN1 (fibrillin 1; minus strand). Cytogenetic location: 15q21.1.
Variant type: single nucleotide variant.
Coding change: c.4174A>G on transcript NM_000138.5 (MANE Select); coding-DNA position 4174, A replaced by G.
Protein change: p.Lys1392Glu; replaces lysine 1392 with glutamic acid.
Molecular consequence: missense variant.
Genome position (GRCh38, 1-based): chr15:48,474,291, T>C on the plus strand (A>G on the coding strand, the complement: FBN1 is on the minus strand). VCF-style: chr15-48474291-T-C. GRCh37 (hg19) VCF-style: chr15-48766488-T-C.
Other names: short protein forms K1392E.
Identifiers: ClinVar variation 940459 (VCV000940459.14), dbSNP rs756683929, ClinGen allele CA269520388.